The following is an entry in ClinVar:

NM_000543.5(SMPD1):c.1497_1498inv (p.Tyr500His)

Gene: SMPD1 (sphingomyelin phosphodiesterase 1; plus strand). Cytogenetic location: 11p15.4.
Variant type: Inversion.
Coding change: c.1497_1498inv on transcript NM_000543.5 (MANE Select).
Protein change: p.Tyr500His; replaces tyrosine 500 with histidine.
Molecular consequence: missense variant. On other transcripts: non-coding transcript variant (2).
Genome position: GRCh38 VCF-style: chr11-6394208-GT-AC. GRCh37 (hg19) VCF-style: chr11-6415438-GT-AC.
Other names: c.1497_1498delGTinsAC (NM_000543.4); c.1494_1495inv, p.Tyr499His (NM_001007593.3); c.1517_1518inv, p.Cys506Tyr (NM_001318087.2); c.576_577inv, p.Tyr193His (NM_001318088.2); c.1365_1366inv, p.Tyr456His (NM_001365135.2); c.1497_1498delinsAC (NM_000543.4); short protein forms Y193H, Y456H, Y500H, C506Y, Y499H.
Identifiers: ClinVar variation 1475471 (VCV001475471.9), ClinGen allele CA217302571.

ClinVar aggregate classification (germline): Conflicting classifications of pathogenicity. Review status: criteria provided, conflicting classifications (1 of 4 stars). 4 submissions from 4 submitters: Pathogenic (3); Uncertain significance (1). Last evaluated 2025-02-03.

Conditions:
Sphingomyelin/cholesterol lipidosis. Also called: Niemann-Pick disease. Identifiers: MedGen C0028064, MONDO:0001982.
Niemann-Pick disease, type A. Also called: SPHINGOMYELIN LIPIDOSIS; SPHINGOMYELINASE DEFICIENCY; Infantile Neurovisceral ASMD (Niemann-Pick Disease Type A; NPD-A). Identifiers: Orphanet 77292, MedGen C0268242, MONDO:0009756, OMIM 257200. Disease mechanism: loss of function.
Niemann-Pick disease, type B. Also called: Chronic Visceral ASMD (Niemann-Pick Disease Type B; NPD-B). Identifiers: Orphanet 77293, MedGen C0268243, MONDO:0011871, OMIM 607616. Disease mechanism: loss of function.

Submissions (4):

Labcorp Genetics (formerly Invitae), Labcorp
Classification: Pathogenic for Niemann-Pick disease, type B; Niemann-Pick disease, type A. Last evaluated: 2025-02-03. Review status: criteria provided, single submitter. Criteria: Invitae Variant Classification Sherloc (09022015). Collection method: clinical testing. Allele origin: germline.
Comment: This sequence change replaces tyrosine, which is neutral and polar, with histidine, which is basic and polar, at codon 500 of the SMPD1 protein (p.Tyr500His). Information on the frequency of this variant in the gnomAD database is not available, as this variant may be reported differently in the database. This missense change has been observed in individual(s) with acid sphingomyelinase deficiency (PMID: 23356216, 33675270). ClinVar contains an entry for this variant (Variation ID: 1475471). Experimental studies and prediction algorithms are not available or were not evaluated, and the functional significance of this variant is currently unknown. For these reasons, this variant has been classified as Pathogenic.

Natera, Inc.
Classification: Pathogenic for Niemann-Pick Disease, Types A/B. Last evaluated: 2024-09-30. Review status: criteria provided, single submitter. Criteria: Natera Variant Classification Schema (03/2026). Collection method: clinical testing. Allele origin: germline.
Comment: The c.1497_1498delGTinsAC variant in SMPD1 is a deletion-insertion (delins) variant predicted to replace one or more nucleotides with a different sequence. This variant is rare in the general population with a frequency below the threshold expected for the associated phenotype(s). This variant has been observed in one or more individuals affected with the associated recessive disease, as either homozygous or compound heterozygous with a second variant (PMID: 33675270). Computational prediction algorithms indicate this variant is likely to affect gene or protein function. Given the available evidence, this variant is classified as Pathogenic.

Women's Health and Genetics/Laboratory Corporation of America, LabCorp
Classification: Pathogenic for Sphingomyelin/cholesterol lipidosis. Last evaluated: 2023-03-18. Review status: criteria provided, single submitter. Criteria: LabCorp Variant Classification Summary - May 2015. Collection method: clinical testing. Allele origin: germline.
Comment: Variant summary: SMPD1 c.1497_1498delinsAC (p.Tyr500His) results in a conservative amino acid change located in the Sphingomyelin phosphodiesterase, C-terminal domain (IPR045473) of the encoded protein sequence. Two of four in-silico tools predict a benign effect of the variant on protein function. The variant allele was found at a frequency of 1.2e-05 in 251212 control chromosomes (gnomAD). c.1497_1498delinsAC has been reported in the literature as a biallelic genotype in multiple individuals affected with Niemann-Pick Disease (e.g. Zhang_2013, Hu_2021). These data indicate that the variant is very likely to be associated with disease. To our knowledge, no experimental evidence demonstrating an impact on protein function has been reported. One ClinVar submitter has assessed the variant since 2014: the variant was classified as likely pathogenic. Based on the evidence outlined above, the variant was classified as pathogenic.

Blueprint Genetics
Classification: Uncertain significance. Last evaluated: 2019-08-15. Review status: criteria provided, single submitter. Criteria: ACMG Guidelines, 2015. Collection method: clinical testing. Allele origin: germline.

Literature cited by the submitters: PubMed 23356216 (cited by Labcorp Genetics (formerly Invitae), Labcorp and Women's Health and Genetics/Laboratory Corporation of America, LabCorp); PubMed 33675270 (cited by 3 submitters).